The following is an entry in ClinVar:

ClinVar aggregate classification (germline): Likely benign. Review status: criteria provided, multiple submitters, no conflicts (2 of 4 stars). 2 submissions from 2 submitters: Likely benign (2). Last evaluated 2025-12-01.

Conditions:
Joubert syndrome. Also called: JOUBERT-BOLTSHAUSER SYNDROME; Familial aplasia of the vermis. Identifiers: Orphanet 475, MedGen C5979921, MONDO:0018772.
Meckel-Gruber syndrome. Also called: Dysencephalia splachnocystica; DYSENCEPHALIA SPLANCHNOCYSTICA; GRUBER SYNDROME. Identifiers: Orphanet 564, MedGen C0265215, MONDO:0018921.
Nephronophthisis. Also called: Juvenile Nephronophthisis. Identifiers: Orphanet 655, MedGen C0687120, MONDO:0019005, HP:0000090.

Submissions (2):

CeGaT Center for Human Genetics Tuebingen
Classification: Likely benign. Last evaluated: 2025-12-01. Review status: criteria provided, single submitter. Criteria: CeGaT Center For Human Genetics Tuebingen Variant Classification Criteria Version 2. Collection method: clinical testing. Allele origin: germline. Affected: yes. Observed: 1 variant allele.
Comment: CEP290: PM2:Supporting, BP4, BP7

Labcorp Genetics (formerly Invitae), Labcorp
Classification: Likely benign for Joubert syndrome; Meckel-Gruber syndrome; Nephronophthisis. Last evaluated: 2025-06-24. Review status: criteria provided, single submitter. Criteria: Invitae Variant Classification Sherloc (09022015). Collection method: clinical testing. Allele origin: germline.

NM_025114.4(CEP290):c.4200T>C (p.His1400=)

Gene: CEP290 (centrosomal protein 290; minus strand). Cytogenetic location: 12q21.32.
Variant type: single nucleotide variant.
Coding change: c.4200T>C on transcript NM_025114.4 (MANE Select); coding-DNA position 4200, T replaced by C.
Protein change: p.His1400=; no amino-acid change (histidine 1400 retained).
Molecular consequence: synonymous variant.
Genome position (GRCh38, 1-based): chr12:88,086,493, A>G on the plus strand (T>C on the coding strand, the complement: CEP290 is on the minus strand). VCF-style: chr12-88086493-A-G. GRCh37 (hg19) VCF-style: chr12-88480270-A-G.
Identifiers: ClinVar variation 1131708 (VCV001131708.14), dbSNP rs2137221395, ClinGen allele CA481076916.